The following is an entry in ClinVar:

NM_002047.4(GARS1):c.377A>T (p.Asp126Val)

Gene: GARS1 (glycyl-tRNA synthetase 1; plus strand). Cytogenetic location: 7p14.3.
Variant type: single nucleotide variant.
Coding change: c.377A>T on transcript NM_002047.4 (MANE Select); coding-DNA position 377, A replaced by T.
Protein change: p.Asp126Val; replaces aspartic acid 126 with valine.
Molecular consequence: missense variant.
Genome position (GRCh38, 1-based): chr7:30,599,999, A>T. VCF-style: chr7-30599999-A-T. GRCh37 (hg19) VCF-style: chr7-30639615-A-T.
Other names: c.215A>T, p.Asp72Val (NM_001316772.1); short protein forms D126V, D72V.
Identifiers: ClinVar variation 854029 (VCV000854029.9), dbSNP rs766540026, ClinGen allele CA4205686.

ClinVar aggregate classification (germline): Uncertain significance (1 of 4 stars; one submission).

Conditions:
Charcot-Marie-Tooth disease type 2. Also called: Charcot-Marie-Tooth type 2. Identifiers: Orphanet 64746, MedGen C0270914, MONDO:0018993.

Allele frequency attached by ClinVar (database versions not stated): gnomAD exomes below 0.00001; ExAC 0.00001.
gnomAD v4.1: 1 of 1,614,066 alleles (0.000062%); highest among the groups gnomAD compares: Admixed American, 0.0017%; no homozygotes.

Submission:

Labcorp Genetics (formerly Invitae), Labcorp
Classification: Uncertain significance for Charcot-Marie-Tooth disease type 2. Last evaluated: 2019-01-02. Review status: criteria provided, single submitter. Criteria: Invitae Variant Classification Sherloc (09022015). Collection method: clinical testing. Allele origin: germline.
Comment: In summary, the available evidence is currently insufficient to determine the role of this variant in disease. Therefore, it has been classified as a Variant of Uncertain Significance. Algorithms developed to predict the effect of missense changes on protein structure and function (SIFT, PolyPhen-2, Align-GVGD) all suggest that this variant is likely to be disruptive, but these predictions have not been confirmed by published functional studies and their clinical significance is uncertain. This variant has not been reported in the literature in individuals with GARS-related conditions. The frequency data for this variant in the population databases is considered unreliable, as metrics indicate poor data quality at this position in the ExAC database. This sequence change replaces aspartic acid with valine at codon 126 of the GARS protein (p.Asp126Val). The aspartic acid residue is highly conserved and there is a large physicochemical difference between aspartic acid and valine.